The following is an entry in ClinVar:

NM_000540.3(RYR1):c.14061G>C (p.Leu4687=)

Gene: RYR1 (ryanodine receptor 1; plus strand). Cytogenetic location: 19q13.2.
Variant type: single nucleotide variant.
Coding change: c.14061G>C on transcript NM_000540.3 (MANE Select); coding-DNA position 14061, G replaced by C.
Protein change: p.Leu4687=; no amino-acid change (leucine 4687 retained).
Molecular consequence: synonymous variant.
Genome position (GRCh38, 1-based): chr19:38,573,239, G>C. VCF-style: chr19-38573239-G-C. GRCh37 (hg19) VCF-style: chr19-39063879-G-C.
Other names: c.14046G>C, p.Leu4682= (NM_001042723.2).
Identifiers: ClinVar variation 3073638 (VCV003073638.1), dbSNP rs201629205, ClinGen allele CA507245160.

ClinVar aggregate classification (germline): Likely benign (1 of 4 stars; one submission).

Conditions:
Malignant hyperthermia, susceptibility to, 1 (MHS1). Also called: Anesthesia related hyperthermia; Malignant hyperpyrexia; Fulminating hyperpyrexia; Pharmacogenic myopathy; RYR1-Related Malignant Hyperthermia Susceptibility; Malignant hyperthermia suceptibility 1. Identifiers: Orphanet 423, MedGen C2930980, MONDO:0007783, OMIM 145600.

Submission:

All of Us Research Program, National Institutes of Health
Classification: Likely benign for Malignant hyperthermia, susceptibility to, 1. Last evaluated: 2023-10-02. Review status: criteria provided, single submitter. Criteria: ACMG Guidelines, 2015. Collection method: clinical testing. Allele origin: germline. Inheritance: Autosomal dominant inheritance. Observed: 1 variant allele, 1 heterozygote.
Comment: This study involves interpretation of variants in research participants for the purpose of population health screening. Participant phenotype was not available at the time of variant classification. Additional details can be found in publication PMID: 35346344, PMCID: PMC8962531